The following is an entry in ClinVar:

ClinVar aggregate classification (germline): Conflicting classifications of pathogenicity. Review status: criteria provided, conflicting classifications (1 of 4 stars). 7 submissions from 7 submitters: Uncertain significance (6); Benign (1). Last evaluated 2025-06-16.

Conditions:
Hereditary nonpolyposis colorectal neoplasms. Identifiers: MedGen C0009405, MeSH D003123.
Hereditary cancer-predisposing syndrome. Also called: Tumor predisposition; Hereditary Cancer Syndrome; Hereditary neoplastic syndrome; Neoplastic Syndromes, Hereditary. Identifiers: Orphanet 140162, MedGen C0027672, MeSH D009386, MONDO:0015356.
Lynch syndrome. Identifiers: Orphanet 144, MedGen C4552100, MONDO:0005835. Disease mechanism: loss of function.

Allele frequency attached by ClinVar (database versions not stated): gnomAD exomes below 0.00001 and 0.00001.
gnomAD v4.1: 10 of 1,614,078 alleles (0.00062%); highest among the groups gnomAD compares: East Asian, 0.0067%; no homozygotes.

Submissions (7):

Ambry Genetics
Classification: Uncertain significance for Hereditary cancer-predisposing syndrome. Last evaluated: 2025-06-16. Review status: criteria provided, single submitter. Criteria: Ambry Variant Classification Scheme 2023. Collection method: clinical testing. Allele origin: germline.
Comment: The p.V1173M variant (also known as c.3517G>A), located in coding exon 6 of the MSH6 gene, results from a G to A substitution at nucleotide position 3517. The valine at codon 1173 is replaced by methionine, an amino acid with highly similar properties. This amino acid position is highly conserved in available vertebrate species. In addition, this alteration is predicted to be deleterious by in silico analysis. Since supporting evidence is limited at this time, the clinical significance of this alteration remains unclear.

Labcorp Genetics (formerly Invitae), Labcorp
Classification: Benign for Hereditary nonpolyposis colorectal neoplasms. Last evaluated: 2025-05-28. Review status: criteria provided, single submitter. Criteria: Invitae Variant Classification Sherloc (09022015). Collection method: clinical testing. Allele origin: germline.

ARUP Laboratories, Molecular Genetics and Genomics, ARUP Laboratories
Classification: Uncertain significance. Last evaluated: 2025-03-27. Review status: criteria provided, single submitter. Criteria: ARUP Molecular Germline Variant Investigation Process 2024. Collection method: clinical testing. Allele origin: germline.
Comment: The MSH5 c.3517G>A; p.Val1173Met variant (rs730881806), to our knowledge, is not reported in the medical literature but is reported in ClinVar (Variation ID: 182647). This variant is only observed on one allele in the Genome Aggregation Database (v2.1.1), indicating it is not a common polymorphism. Computational analyses are uncertain whether this variant is neutral or deleterious (prior probability for pathogenicity = 0.66). Due to limited information, the clinical significance of this variant is uncertain at this time.

Institute for Biomarker Research, Medical Diagnostic Laboratories, L.L.C.
Classification: Uncertain significance for Hereditary cancer-predisposing syndrome. Last evaluated: 2023-09-26. Review status: criteria provided, single submitter. Criteria: ACMG Guidelines, 2015. Collection method: clinical testing. Allele origin: germline.

Color Diagnostics, LLC DBA Color Health
Classification: Uncertain significance for Hereditary cancer-predisposing syndrome. Last evaluated: 2023-09-13. Review status: criteria provided, single submitter. Criteria: ACMG Guidelines, 2015. Collection method: clinical testing. Allele origin: germline.
Comment: This missense variant replaces valine with methionine at codon 1173 of the MSH6 protein. Computational prediction suggests that this variant may have deleterious impact on protein structure and function (internally defined REVEL score threshold >= 0.7, PMID: 27666373). To our knowledge, functional studies have not been reported for this variant. This variant has not been reported in individuals affected with MSH6-related disorders in the literature. This variant has been identified in 1/251294 chromosomes in the general population by the Genome Aggregation Database (gnomAD). The available evidence is insufficient to determine the role of this variant in disease conclusively. Therefore, this variant is classified as a Variant of Uncertain Significance.

All of Us Research Program, National Institutes of Health
Classification: Uncertain significance for Lynch syndrome. Last evaluated: 2023-08-15. Review status: criteria provided, single submitter. Criteria: ACMG Guidelines, 2015. Collection method: clinical testing. Allele origin: germline. Inheritance: Autosomal dominant inheritance. Observed: 1 variant allele, 1 heterozygote.
Comment: This missense variant replaces valine with methionine at codon 1173 of the MSH6 protein. Computational prediction suggests that this variant may have deleterious impact on protein structure and function (internally defined REVEL score threshold >= 0.7, PMID: 27666373). Splice site prediction tools suggest that this variant may not impact RNA splicing. To our knowledge, functional studies have not been performed for this variant. This variant has not been reported in individuals affected with hereditary cancer in the literature. This variant has been identified in 1/251294 chromosomes in the general population by the Genome Aggregation Database (gnomAD). The available evidence is insufficient to determine the role of this variant in disease conclusively. Therefore, this variant is classified as a Variant of Uncertain Significance.

This study involves interpretation of variants in research participants for the purpose of population health screening. Participant phenotype was not available at the time of variant classification. Additional details can be found in publication PMID: 35346344, PMCID: PMC8962531

GeneDx
Classification: Uncertain significance. Last evaluated: 2022-04-27. Review status: criteria provided, single submitter. Criteria: GeneDx Variant Classification Process June 2021. Collection method: clinical testing. Allele origin: germline. Affected: yes.
Comment: Not observed at significant frequency in large population cohorts (gnomAD); In silico analysis supports that this missense variant does not alter protein structure/function; Has not been previously published as pathogenic or benign to our knowledge; This variant is associated with the following publications: (PMID: 17531815, 21120944)

NM_000179.3(MSH6):c.3517G>A (p.Val1173Met)

Gene: MSH6 (mutS homolog 6; plus strand). Cytogenetic location: 2p16.3.
Variant type: single nucleotide variant.
Coding change: c.3517G>A on transcript NM_000179.3 (MANE Select); coding-DNA position 3517, G replaced by A.
Protein change: p.Val1173Met; replaces valine 1173 with methionine.
Molecular consequence: missense variant.
Genome position (GRCh38, 1-based): chr2:47,804,988, G>A. VCF-style: chr2-47804988-G-A. GRCh37 (hg19) VCF-style: chr2-48032127-G-A.
Other names: p.V1173M:GTG>ATG; c.3127G>A, p.Val1043Met (NM_001281492.2); c.2611G>A, p.Val871Met (NM_001281493.2, NM_001281494.2); short protein forms V1173M, V871M, V1043M.
Identifiers: ClinVar variation 182647 (VCV000182647.25), dbSNP rs730881806, ClinGen allele CA013259.